The following is an entry in ClinVar:

ClinVar aggregate classification (germline): Benign (0 of 4 stars; one submission).

Conditions:
EPPK1-related disorder. Also called: EPPK1-related condition.

Allele frequency attached by ClinVar (database versions not stated): ExAC 0.00189; ESP Exome Variant Server 0.00448; gnomAD 0.00527; TOPMed 0.00607; 1000 Genomes Project 0.00819; 1000 Genomes Project 30x 0.00859.

Submission:

PreventionGenetics, part of Exact Sciences
Classification: Benign for EPPK1-related condition. Last evaluated: 2021-05-11. Review status: no assertion criteria provided. Collection method: clinical testing. Allele origin: germline.
Comment: This variant is classified as benign based on ACMG/AMP sequence variant interpretation guidelines (Richards et al. 2015 PMID: 25741868, with internal and published modifications).

NM_031308.4(EPPK1):c.4199A>G (p.Asn1400Ser)

Gene: EPPK1 (epiplakin 1; minus strand). Cytogenetic location: 8q24.3.
Variant type: single nucleotide variant.
Coding change: c.4199A>G on transcript NM_031308.4 (MANE Select); coding-DNA position 4199, A replaced by G.
Protein change: p.Asn1400Ser; replaces asparagine 1400 with serine.
Molecular consequence: missense variant.
Genome position (GRCh38, 1-based): chr8:143,869,055, T>C on the plus strand (A>G on the coding strand, the complement: EPPK1 is on the minus strand). VCF-style: chr8-143869055-T-C. GRCh37 (hg19) VCF-style: chr8-144943223-T-C.
Other names: short protein forms N1400S.
Identifiers: ClinVar variation 3045602 (VCV003045602.2), dbSNP rs139952490, ClinGen allele CA4922567.
Genomic context (GRCh38, chr8:143,869,055, plus strand): 5'-CGCTCCCTGAGCTGCTGGTAGGTCACCTGGTCCCGCGCACTGGGGTCAAAGAAGAACTTG[T>C]TGTCCTTGTCAACTGCAGTCAGCACCTGGCTCGTCTGTGTGTCCAGAAGGCCGAGTCTGC-3'
Protein context (NP_112598.3, residues 1390-1410): SQVLTAVDKD[Asn1400Ser]KFFFDPSARD